The following is an entry in ClinVar:

NM_000046.5(ARSB):c.1001G>T (p.Ser334Ile)

Gene: ARSB (arylsulfatase B; minus strand). Cytogenetic location: 5q14.1.
Variant type: single nucleotide variant.
Coding change: c.1001G>T on transcript NM_000046.5 (MANE Select); coding-DNA position 1001, G replaced by T.
Protein change: p.Ser334Ile; replaces serine 334 with isoleucine.
Molecular consequence: missense variant.
Genome position (GRCh38, 1-based): chr5:78,885,725, C>A on the plus strand (G>T on the coding strand, the complement: ARSB is on the minus strand). VCF-style: chr5-78885725-C-A. GRCh37 (hg19) VCF-style: chr5-78181548-C-A.
Other names: c.1001G>T, p.Ser334Ile (NM_198709.3); short protein forms S334I.
Identifiers: ClinVar variation 559664 (VCV000559664.4), dbSNP rs1554079311, ClinGen allele CA360343162.
Genomic context (GRCh38, chr5:78,885,725, plus strand): 5'-AGCCAGTCAGAGATGTGGATGAGCTCCCGGTTCTTCACGCCCTTCTGCTTCAGCAAGGGG[C>A]TTGCCACAAAGCCCACCCCTCGGACGCCTCCTTCCCACAGGCTCCATTTTCTTCCTCGAA-3'
Protein context (NP_000037.2, residues 324-344): GGVRGVGFVA[Ser334Ile]PLLKQKGVKN

ClinVar aggregate classification (germline): Conflicting classifications of pathogenicity. Review status: criteria provided, conflicting classifications (1 of 4 stars). 3 submissions from 3 submitters: Likely pathogenic (2); Uncertain significance (1). Last evaluated 2025-09-25.

Conditions:
Mucopolysaccharidosis type 6 (MPS6). Also called: N-ACETYLGALACTOSAMINE-4-SULFATASE DEFICIENCY; MPS VI; MPS 6; Maroteaux Lamy syndrome; ARSB DEFICIENCY; ARYLSULFATASE B DEFICIENCY. Identifiers: Orphanet 583, MedGen C0026709, MONDO:0009661, OMIM 253200.

Submissions (3):

Natera, Inc.
Classification: Likely pathogenic for Mucopolysaccharidosis type VI. Last evaluated: 2025-09-25. Review status: criteria provided, single submitter. Criteria: Natera Variant Classification Schema (03/2026). Collection method: clinical testing. Allele origin: germline.
Comment: The c.1001G>T variant in ARSB is a missense variant predicted to cause substitution of serine to isoleucine at amino acid 334. This variant is rare in the general population with a frequency below the threshold expected for the associated phenotype(s). This variant has been observed in one or more individuals affected with the associated recessive disease, as either homozygous or compound heterozygous with a second variant (PMID: 26909334). This variant has been identified in one or more affected individual with a phenotype highly consistent with the associated gene (PMID: 26909334). Computational prediction algorithms indicate this variant is likely to affect gene or protein function. Given the available evidence, this variant is classified as Likely Pathogenic.

Revvity Omics, Revvity
Classification: Likely pathogenic for Mucopolysaccharidosis type 6. Last evaluated: 2023-04-28. Review status: criteria provided, single submitter. Criteria: ACMG Guidelines, 2015. Collection method: clinical testing. Allele origin: germline.

Laboratory of Diagnosis and Therapy of Lysosomal Disorders, University of Padova
Classification: Uncertain significance for Mucopolysaccharidosis type 6. Last evaluated: 2018-01-01. Review status: criteria provided, single submitter. Criteria: ACMG Guidelines, 2015. Collection method: curation. Allele origin: germline. Affected: yes.
Comment: Absent from GnomAD (PM2); Multiple lines of computational evidence support a deleterious effect on the gene product (PP3)

Literature cited by the submitters: PubMed 26909334 (cited by Natera, Inc. and Laboratory of Diagnosis and Therapy of Lysosomal Disorders, University of Padova); PubMed 30118150 (cited by Laboratory of Diagnosis and Therapy of Lysosomal Disorders, University of Padova).